The following is an entry in ClinVar:

NM_002474.3(MYH11):c.135C>T (p.Phe45=)

Gene: MYH11 (myosin heavy chain 11; minus strand). Cytogenetic location: 16p13.11.
Variant type: single nucleotide variant.
Coding change: c.135C>T on transcript NM_002474.3 (MANE Select); coding-DNA position 135, C replaced by T.
Protein change: p.Phe45=; no amino-acid change (phenylalanine 45 retained).
Molecular consequence: synonymous variant.
Genome position (GRCh38, 1-based): chr16:15,838,118, G>A on the plus strand (C>T on the coding strand, the complement: MYH11 is on the minus strand). VCF-style: chr16-15838118-G-A. GRCh37 (hg19) VCF-style: chr16-15931975-G-A.
Other names: p.F45F:TTC>TTT; p.Phe45=; c.135C>T, p.Phe45= (NM_001040113.2, NM_001040114.2, NM_022844.3).
Identifiers: ClinVar variation 138363 (VCV000138363.44), dbSNP rs28570191, ClinGen allele CA292345.

ClinVar aggregate classification (germline): Benign/Likely benign. Review status: criteria provided, multiple submitters, no conflicts (2 of 4 stars). 14 submissions from 14 submitters: Benign (11); Likely benign (1). 2 of the submissions do not count toward it. Last evaluated 2026-02-04.

Conditions:
Familial thoracic aortic aneurysm and aortic dissection (TAAD). Also called: Thoracic aortic aneurysms and dissections. Identifiers: Orphanet 91387, MedGen C4707243, MONDO:0019625.
Aortic aneurysm, familial thoracic 4 (AAT4). Also called: AORTIC ANEURYSM/AORTIC DISSECTION AND PATENT DUCTUS ARTERIOSUS. Identifiers: MedGen C1851504, MONDO:0007568, OMIM 132900.

Allele frequency attached by ClinVar (database versions not stated): gnomAD exomes 0.00541 and 0.01242; ExAC 0.01454; gnomAD 0.04020 and 0.04299; 1000 Genomes Project 0.04393; TOPMed 0.04625; ESP Exome Variant Server 0.04679; 1000 Genomes Project 30x 0.04809.
gnomAD v4.1: 14,371 of 1,613,950 alleles (0.89%); highest among the groups gnomAD compares: African/African-American, 14%; 780 homozygotes.

Submissions (14):

Labcorp Genetics (formerly Invitae), Labcorp
Classification: Benign for Aortic aneurysm, familial thoracic 4. Last evaluated: 2026-02-04. Review status: criteria provided, single submitter. Criteria: Invitae Variant Classification Sherloc (09022015). Collection method: clinical testing. Allele origin: germline.

Molecular Diagnostic Laboratory for Inherited Cardiovascular Disease, Montreal Heart Institute
Classification: Likely benign. Last evaluated: 2025-07-24. Review status: criteria provided, single submitter. Criteria: ACMG Guidelines, 2015. Collection method: clinical testing. Allele origin: germline. Affected: no.
Comment: BS1;BP7

ARUP Laboratories, Molecular Genetics and Genomics, ARUP Laboratories
Classification: Benign. Last evaluated: 2025-06-09. Review status: criteria provided, single submitter. Criteria: ARUP Molecular Germline Variant Investigation Process 2024. Collection method: clinical testing. Allele origin: germline.

All of Us Research Program, National Institutes of Health
Classification: Benign for Familial thoracic aortic aneurysm and aortic dissection. Last evaluated: 2024-02-05. Review status: criteria provided, single submitter. Criteria: ACMG Guidelines, 2015. Collection method: clinical testing. Allele origin: germline. Inheritance: Autosomal dominant inheritance. Observed: 2,723 variant alleles, 2,606 heterozygotes, 117 homozygotes.
Comment: This study involves interpretation of variants in research participants for the purpose of population health screening. Participant phenotype was not available at the time of variant classification. Additional details can be found in publication PMID: 35346344, PMCID: PMC8962531

CHEO Genetics Diagnostic Laboratory, Children's Hospital of Eastern Ontario
Classification: Benign for Familial thoracic aortic aneurysm and aortic dissection. Last evaluated: 2022-12-01. Review status: criteria provided, single submitter. Criteria: ACMG Guidelines, 2015. Collection method: clinical testing. Allele origin: germline.

Color Diagnostics, LLC DBA Color Health
Classification: Benign for Familial thoracic aortic aneurysm and aortic dissection. Last evaluated: 2018-03-16. Review status: criteria provided, single submitter. Criteria: ACMG Guidelines, 2015. Collection method: clinical testing. Allele origin: germline.

Illumina Laboratory Services, Illumina
Classification: Benign for Aortic aneurysm, familial thoracic 4. Last evaluated: 2018-01-13. Review status: criteria provided, single submitter. Criteria: ICSL Variant Classification Criteria 13 December 2019. Collection method: clinical testing. Allele origin: germline.
Comment: This variant was observed in the ICSL laboratory as part of a predisposition screen in an ostensibly healthy population. It had not been previously curated by ICSL or reported in the Human Gene Mutation Database (HGMD: prior to June 1st, 2018), and was therefore a candidate for classification through an automated scoring system. Utilizing variant allele frequency, disease prevalence and penetrance estimates, and inheritance mode, an automated score was calculated to assess if this variant is too frequent to cause the disease. Based on the score and internal cut-off values, a variant classified as benign is not then subjected to further curation. The score for this variant resulted in a classification of benign for this disease.

Mayo Clinic Laboratories, Mayo Clinic
Classification: Benign. Last evaluated: 2014-04-17. Review status: criteria provided, single submitter. Criteria: ACMG Guidelines, 2015. Collection method: clinical testing. Allele origin: germline. Observed: 38 variant alleles.

GeneDx
Classification: Benign. Last evaluated: 2013-04-15. Review status: criteria provided, single submitter. Criteria: GeneDx Variant Classification (06012015). Collection method: clinical testing. Allele origin: germline. Affected: yes.
Comment: This variant is considered likely benign or benign based on one or more of the following criteria: it is a conservative change, it occurs at a poorly conserved position in the protein, it is predicted to be benign by multiple in silico algorithms, and/or has population frequency not consistent with disease.

Laboratory for Molecular Medicine, Mass General Brigham Personalized Medicine
Classification: Benign. Last evaluated: 2013-04-04. Review status: criteria provided, single submitter. Criteria: LMM Criteria. Collection method: clinical testing. Allele origin: germline. Observed: 3 variant alleles.
Comment: Phe45Phe in exon 2 of MYH11: This variant is not expected to have clinical signi ficance because it does not alter an amino acid residue and is not located withi n the splice consensus sequence. It has been identified in 13.5% (591/4394) of A frican American chromosomes from a broad population by the NHLBI Exome Sequencin g Project (dbSNP rs28570191).

Breakthrough Genomics
Classification: Benign. Review status: criteria provided, single submitter. Criteria: ACMG Guidelines, 2015. Collection method: not provided. Allele origin: germline. Inheritance: Autosomal recessive inheritance. Affected: yes.

PreventionGenetics, part of Exact Sciences
Classification: Benign. Review status: criteria provided, single submitter. Criteria: ACMG Guidelines, 2015. Collection method: clinical testing. Allele origin: germline.

Genome Diagnostics Laboratory, Amsterdam University Medical Center
Classification: Benign. Review status: no assertion criteria provided. Collection method: clinical testing. Allele origin: germline. Affected: yes. Study: VKGL Data-share Consensus. Not counted in ClinVar's aggregate classification.

Joint Genome Diagnostic Labs from Nijmegen and Maastricht, Radboudumc and MUMC+
Classification: Benign. Review status: no assertion criteria provided. Collection method: clinical testing. Allele origin: germline. Affected: yes. Study: VKGL Data-share Consensus. Not counted in ClinVar's aggregate classification.